The following is an entry in ClinVar:

ClinVar aggregate classification (germline): Pathogenic/Likely pathogenic. Review status: criteria provided, multiple submitters, no conflicts (2 of 4 stars). 2 submissions from 2 submitters: Pathogenic (1); Likely pathogenic (1). Last evaluated 2026-08-29.

Allele frequency attached by ClinVar (database versions not stated): TOPMed 0.00009; 1000 Genomes Project 0.00020; 1000 Genomes Project 30x 0.00031.
gnomAD v4.1: 74 of 1,613,850 alleles (0.0046%); highest among the groups gnomAD compares: African/African-American, 0.008%; no homozygotes.

Submissions (2):

GeneDx
Classification: Pathogenic. Last evaluated: 2026-08-29. Review status: criteria provided, single submitter. Criteria: GeneDx Variant Classification Process June 2021. Collection method: clinical testing. Allele origin: germline.
Comment: Nonsense variant predicted to result in protein truncation, as the last 3453 amino acids are lost, and other loss-of-function variants have been reported downstream in HGMD; Has not been previously published as pathogenic or benign to our knowledge; This variant is associated with the following publications: (PMID: 16444271)

Dasa
Classification: Likely pathogenic. Last evaluated: 2025-12-08. Review status: criteria provided, single submitter. Criteria: DASA Assertion Criteria. Collection method: clinical testing. Allele origin: germline.
Comment: NM_002016.2(FLG):c.1826C>A (p.Ser609*) is a nonsense variant in FLG predicted to introduce a premature termination codon and is predicted to result in an absent or altered protein product. Loss of function is an established disease mechanism for FLG (PMID: 16444271; PMID: 27793761; PMID: 27667308). Also, this variant is rare in population databases. Based on the currently available evidence, this variant is classified as likely pathogenic.

Literature cited by the submitters: PubMed 16444271 (cited by Dasa); PubMed 27793761 (cited by Dasa); PubMed 27667308 (cited by Dasa).

NM_002016.2(FLG):c.1826C>A (p.Ser609Ter)

Genes: CCDST (cervical cancer associated DHX9 suppressive transcript; plus strand), FLG (filaggrin; minus strand). Cytogenetic location: 1q21.3.
Variant type: single nucleotide variant.
Coding change: c.1826C>A on transcript NM_002016.2 (MANE Select); coding-DNA position 1826, C replaced by A.
Protein change: p.Ser609Ter; replaces serine 609 with a stop codon.
Molecular consequence: nonsense.
Genome position (GRCh38, 1-based): chr1:152,313,060, G>T on the plus strand (C>A on the coding strand, the complement: FLG is on the minus strand). VCF-style: chr1-152313060-G-T. GRCh37 (hg19) VCF-style: chr1-152285536-G-T.
Other names: short protein forms S609*.
Identifiers: ClinVar variation 373024 (VCV000373024.9), dbSNP rs145119819, ClinGen allele CA1107450.
Genomic context (GRCh38, chr1:152,313,060, plus strand): 5'-CCCTGACTGTCACTGTCCTGGCTAACACTGGATCCCTGGTTCCTACTTGTCCTGGGCCCC[G>T]ATGATTGTCCCTGGCCCACCTGTGAGTGTCTAGAGCTGTCAGCCTGAGAGGAAGCTTCAT-3'